The following is an entry in ClinVar:

ClinVar aggregate classification (germline): Likely benign. Review status: criteria provided, multiple submitters, no conflicts (2 of 4 stars). 2 submissions from 2 submitters: Likely benign (2). Last evaluated 2022-11-03.

Submissions (2):

Labcorp Genetics (formerly Invitae), Labcorp
Classification: Likely benign. Last evaluated: 2022-11-03. Review status: criteria provided, single submitter. Criteria: Invitae Variant Classification Sherloc (09022015). Collection method: clinical testing. Allele origin: germline.

CeGaT Center for Human Genetics Tuebingen
Classification: Likely benign. Last evaluated: 2022-11-01. Review status: criteria provided, single submitter. Criteria: CeGaT Center For Human Genetics Tuebingen Variant Classification Criteria Version 2. Collection method: clinical testing. Allele origin: germline. Affected: yes. Observed: 1 variant allele.
Comment: KMT2E: PM2:Supporting, BP4, BP7

NM_182931.3(KMT2E):c.3270G>C (p.Ser1090=)

Gene: KMT2E (lysine methyltransferase 2E (inactive); plus strand). Cytogenetic location: 7q22.3.
Variant type: single nucleotide variant.
Coding change: c.3270G>C on transcript NM_182931.3 (MANE Select); coding-DNA position 3270, G replaced by C.
Protein change: p.Ser1090=; no amino-acid change (serine 1090 retained).
Molecular consequence: synonymous variant.
Genome position (GRCh38, 1-based): chr7:105,107,727, G>C. VCF-style: chr7-105107727-G-C. GRCh37 (hg19) VCF-style: chr7-104748174-G-C.
Other names: c.3270G>C, p.Ser1090= (NM_001410908.1, NM_018682.4).
Identifiers: ClinVar variation 2657910 (VCV002657910.27), dbSNP rs753525899, ClinGen allele CA457200078.